The following is an entry in ClinVar:

NM_004260.4(RECQL4):c.2141A>G (p.Glu714Gly)

Gene: RECQL4 (RecQ like helicase 4; minus strand). Cytogenetic location: 8q24.3.
Variant type: single nucleotide variant.
Coding change: c.2141A>G on transcript NM_004260.4 (MANE Select); coding-DNA position 2141, A replaced by G.
Protein change: p.Glu714Gly; replaces glutamic acid 714 with glycine.
Molecular consequence: missense variant.
Genome position (GRCh38, 1-based): chr8:144,513,630, T>C on the plus strand (A>G on the coding strand, the complement: RECQL4 is on the minus strand). VCF-style: chr8-144513630-T-C. GRCh37 (hg19) VCF-style: chr8-145739014-T-C.
Other names: short protein forms E714G.
Identifiers: ClinVar variation 646137 (VCV000646137.8), dbSNP rs766703250, ClinGen allele CA4948450.

ClinVar aggregate classification (germline): Uncertain significance. Review status: criteria provided, multiple submitters, no conflicts (2 of 4 stars). 3 submissions from 3 submitters: Uncertain significance (3). Last evaluated 2024-11-25.

Conditions:
Hereditary cancer-predisposing syndrome. Also called: Neoplastic Syndromes, Hereditary; Hereditary Cancer Syndrome; Hereditary neoplastic syndrome; Tumor predisposition. Identifiers: Orphanet 140162, MedGen C0027672, MeSH D009386, MONDO:0015356.
Inborn genetic diseases. Identifiers: MedGen C0950123, MeSH D030342.
Baller-Gerold syndrome (BGS). Also called: CRANIOSYNOSTOSIS WITH RADIAL DEFECTS. Identifiers: Orphanet 1225, MedGen C0265308, MONDO:0009039, OMIM 218600.

Allele frequency attached by ClinVar (database versions not stated): gnomAD 0.00001; gnomAD exomes 0.00001 and 0.00003; TOPMed 0.00001; ExAC 0.00002.

Submissions (3):

Ambry Genetics
Classification: Uncertain significance for Inborn genetic diseases. Last evaluated: 2024-11-25. Review status: criteria provided, single submitter. Criteria: Ambry Variant Classification Scheme 2023. Collection method: clinical testing. Allele origin: germline.
Comment: The p.E714G variant (also known as c.2141A>G), located in coding exon 13 of the RECQL4 gene, results from an A to G substitution at nucleotide position 2141. The glutamic acid at codon 714 is replaced by glycine, an amino acid with similar properties. This amino acid position is conserved. In addition, the in silico prediction for this alteration is inconclusive. Based on the available evidence, the clinical significance of this variant remains unclear.

Labcorp Genetics (formerly Invitae), Labcorp
Classification: Uncertain significance for Baller-Gerold syndrome. Last evaluated: 2023-08-28. Review status: criteria provided, single submitter. Criteria: Invitae Variant Classification Sherloc (09022015). Collection method: clinical testing. Allele origin: germline.
Comment: This variant has not been reported in the literature in individuals affected with RECQL4-related conditions. This sequence change replaces glutamic acid, which is acidic and polar, with glycine, which is neutral and non-polar, at codon 714 of the RECQL4 protein (p.Glu714Gly). This variant is present in population databases (rs766703250, gnomAD 0.04%). ClinVar contains an entry for this variant (Variation ID: 646137). Advanced modeling of protein sequence and biophysical properties (such as structural, functional, and spatial information, amino acid conservation, physicochemical variation, residue mobility, and thermodynamic stability) performed at Invitae indicates that this missense variant is expected to disrupt RECQL4 protein function. In summary, the available evidence is currently insufficient to determine the role of this variant in disease. Therefore, it has been classified as a Variant of Uncertain Significance.

Sema4
Classification: Uncertain significance for Hereditary cancer-predisposing syndrome. Last evaluated: 2022-01-06. Review status: criteria provided, single submitter. Criteria: Sema4 Curation Guidelines. Collection method: curation. Allele origin: germline.
Comment: The RECQL4 c.2141A>G (p.E714G) variant has not been reported in the literature to our knowledge. It was observed in 6/16020 chromosomes of the East Asian subpopulation in the large and broad cohorts of the Genome Aggregation Database (PMID: 32461654), and has been reported in ClinVar (Variation ID 646137). Functional studies have not been performed, and in silico predictions of the variant's effect on protein function are inconclusive. The evidence is insufficient to meet ACMG/AMP criteria for classifying the variant as benign or pathogenic. Thus, the clinical significance of this variant is currently uncertain.